The following is an entry in ClinVar:

NM_020066.5(FMN2):c.3270T>A (p.Pro1090=)

Gene: FMN2 (formin 2; plus strand). Cytogenetic location: 1q43.
Variant type: single nucleotide variant.
Coding change: c.3270T>A on transcript NM_020066.5 (MANE Select); coding-DNA position 3270, T replaced by A.
Protein change: p.Pro1090=; no amino-acid change (proline 1090 retained).
Molecular consequence: synonymous variant. On other transcripts: intron variant (1).
Genome position (GRCh38, 1-based): chr1:240,208,082, T>A. VCF-style: chr1-240208082-T-A. GRCh37 (hg19) VCF-style: chr1-240371382-T-A.
Other names: c.3282T>A, p.Pro1094= (NM_001305424.2); c.1986+19820T>A (NM_001348094.2).
Identifiers: ClinVar variation 2672389 (VCV002672389.23), dbSNP rs1305776334, ClinGen allele CA424385604.

ClinVar aggregate classification (germline): Likely benign (1 of 4 stars; one submission).

Submission:

CeGaT Center for Human Genetics Tuebingen
Classification: Likely benign. Last evaluated: 2024-01-01. Review status: criteria provided, single submitter. Criteria: CeGaT Center For Human Genetics Tuebingen Variant Classification Criteria Version 2. Collection method: clinical testing. Allele origin: germline. Affected: yes. Observed: 2 variant alleles.
Comment: FMN2: BP4, BP7